The following is an entry in ClinVar:

NM_033026.6(PCLO):c.3930T>A (p.Asp1310Glu)

Gene: PCLO (piccolo presynaptic cytomatrix protein; minus strand). Cytogenetic location: 7q21.11.
Variant type: single nucleotide variant.
Coding change: c.3930T>A on transcript NM_033026.6 (MANE Select); coding-DNA position 3930, T replaced by A.
Protein change: p.Asp1310Glu; replaces aspartic acid 1310 with glutamic acid.
Molecular consequence: missense variant.
Genome position (GRCh38, 1-based): chr7:82,965,858, A>T on the plus strand (T>A on the coding strand, the complement: PCLO is on the minus strand). VCF-style: chr7-82965858-A-T. GRCh37 (hg19) VCF-style: chr7-82595174-A-T.
Other names: c.3930T>A, p.Asp1310Glu (NM_014510.3); short protein forms D1310E.
Identifiers: ClinVar variation 1519640 (VCV001519640.8), dbSNP rs747386144, ClinGen allele CA367931072.

ClinVar aggregate classification (germline): Uncertain significance (1 of 4 stars; one submission).

Submission:

Labcorp Genetics (formerly Invitae), Labcorp
Classification: Uncertain significance. Last evaluated: 2021-07-16. Review status: criteria provided, single submitter. Criteria: Invitae Variant Classification Sherloc (09022015). Collection method: clinical testing. Allele origin: germline.
Comment: This sequence change replaces aspartic acid with glutamic acid at codon 1310 of the PCLO protein (p.Asp1310Glu). The aspartic acid residue is weakly conserved and there is a small physicochemical difference between aspartic acid and glutamic acid. This variant is not present in population databases (ExAC no frequency). This variant has not been reported in the literature in individuals affected with PCLO-related conditions. Algorithms developed to predict the effect of missense changes on protein structure and function output the following: SIFT: "Tolerated"; PolyPhen-2: "Not Available"; Align-GVGD: "Class C0". The glutamic acid amino acid residue is found in multiple mammalian species, which suggests that this missense change does not adversely affect protein function. In summary, the available evidence is currently insufficient to determine the role of this variant in disease. Therefore, it has been classified as a Variant of Uncertain Significance.